The following is an entry in ClinVar:

ClinVar aggregate classification (germline): Conflicting classifications of pathogenicity. Review status: criteria provided, conflicting classifications (1 of 4 stars). 2 submissions from 2 submitters: Uncertain significance (1); Benign (1). Last evaluated 2025-10-28.

Conditions:
Hereditary cancer-predisposing syndrome. Also called: Hereditary neoplastic syndrome; Neoplastic Syndromes, Hereditary; Tumor predisposition; Hereditary Cancer Syndrome. Identifiers: Orphanet 140162, MedGen C0027672, MeSH D009386, MONDO:0015356.
Fanconi anemia complementation group O. Also called: RAD51C-Related Fanconi Anemia. Identifiers: Orphanet 84, MedGen C3150653, MONDO:0013248, OMIM 613390.

Submissions (2):

Ambry Genetics
Classification: Benign for Hereditary cancer-predisposing syndrome. Last evaluated: 2025-10-28. Review status: criteria provided, single submitter. Criteria: Ambry Variant Classification Scheme 2023. Collection method: clinical testing. Allele origin: germline.

Labcorp Genetics (formerly Invitae), Labcorp
Classification: Uncertain significance for Fanconi anemia complementation group O. Last evaluated: 2024-04-18. Review status: criteria provided, single submitter. Criteria: Invitae Variant Classification Sherloc (09022015). Collection method: clinical testing. Allele origin: germline.
Comment: This sequence change replaces isoleucine, which is neutral and non-polar, with methionine, which is neutral and non-polar, at codon 144 of the RAD51C protein (p.Ile144Met). This variant is not present in population databases (gnomAD no frequency). This variant has not been reported in the literature in individuals affected with RAD51C-related conditions. ClinVar contains an entry for this variant (Variation ID: 480500). Advanced modeling of protein sequence and biophysical properties (such as structural, functional, and spatial information, amino acid conservation, physicochemical variation, residue mobility, and thermodynamic stability) performed at Invitae indicates that this missense variant is not expected to disrupt RAD51C protein function with a negative predictive value of 80%. In summary, the available evidence is currently insufficient to determine the role of this variant in disease. Therefore, it has been classified as a Variant of Uncertain Significance.

NM_058216.3(RAD51C):c.432A>G (p.Ile144Met)

Gene: RAD51C (RAD51 paralog C; plus strand). Cytogenetic location: 17q22.
Variant type: single nucleotide variant.
Coding change: c.432A>G on transcript NM_058216.3 (MANE Select); coding-DNA position 432, A replaced by G.
Protein change: p.Ile144Met; replaces isoleucine 144 with methionine.
Molecular consequence: missense variant.
Genome position (GRCh38, 1-based): chr17:58,696,720, A>G. VCF-style: chr17-58696720-A-G. GRCh37 (hg19) VCF-style: chr17-56774081-A-G.
Other names: c.432A>G (LRG_314t1); short protein forms I144M.
Identifiers: ClinVar variation 480500 (VCV000480500.8), dbSNP rs1555594589, ClinGen allele CA400344021.
Genomic context (GRCh38, chr17:58,696,720, plus strand): 5'-TGATTTGGTTGTTTGTCATCTTTCTGTTGACAGTATGCAGTTGGCAGTAGATGTGCAGAT[A>G]CCAGAATGTTTTGGAGGAGTGGCAGGTGAAGCAGTTTTTATTGATACAGAGGGAAGTTTT-3'
Protein context (NP_478123.1, residues 134-154): LCMQLAVDVQ[Ile144Met]PECFGGVAGE